The following is an entry in ClinVar:

ClinVar aggregate classification (germline): Conflicting classifications of pathogenicity. Review status: criteria provided, conflicting classifications (1 of 4 stars). 3 submissions from 3 submitters: Uncertain significance (1); Likely benign (1). 1 of the submissions does not count toward it. Last evaluated 2026-01-27.

Conditions:
LDHA-related disorder. Also called: LDHA-related condition.
Glycogen storage disease due to lactate dehydrogenase M-subunit deficiency (GSD11). Also called: GSD XI; LACTATE DEHYDROGENASE A DEFICIENCY; Glycogen storage disease XI. Identifiers: Orphanet 284426, MedGen C2931743, MONDO:0013047, OMIM 612933.

Allele frequency attached by ClinVar (database versions not stated): ESP Exome Variant Server 0.00077; 1000 Genomes Project 30x 0.00078; gnomAD exomes 0.00016 and 0.00006; ExAC 0.00021; gnomAD 0.00071 and 0.00066; 1000 Genomes Project 0.00080; TOPMed 0.00073.
gnomAD v4.1: 183 of 1,575,894 alleles (0.012%); highest among the groups gnomAD compares: African/African-American, 0.24%; no homozygotes.

Submissions (3):

Labcorp Genetics (formerly Invitae), Labcorp
Classification: Likely benign for Glycogen storage disease due to lactate dehydrogenase M-subunit deficiency. Last evaluated: 2026-01-27. Review status: criteria provided, single submitter. Criteria: Invitae Variant Classification Sherloc (09022015). Collection method: clinical testing. Allele origin: germline.

GeneDx
Classification: Uncertain significance. Last evaluated: 2024-02-26. Review status: criteria provided, single submitter. Criteria: GeneDx Variant Classification Process June 2021. Collection method: clinical testing. Allele origin: germline. Affected: yes.
Comment: In silico analysis supports that this missense variant has a deleterious effect on protein structure/function; Has not been previously published as pathogenic or benign to our knowledge

PreventionGenetics, part of Exact Sciences
Classification: Likely benign for LDHA-related condition. Last evaluated: 2023-08-23. Review status: no assertion criteria provided. Collection method: clinical testing. Allele origin: germline. Not counted in ClinVar's aggregate classification.
Comment: This variant is classified as likely benign based on ACMG/AMP sequence variant interpretation guidelines (Richards et al. 2015 PMID: 25741868, with internal and published modifications).

NM_005566.4(LDHA):c.696G>C (p.Lys232Asn)

Gene: LDHA (lactate dehydrogenase A; plus strand). Cytogenetic location: 11p15.1.
Variant type: single nucleotide variant.
Coding change: c.696G>C on transcript NM_005566.4 (MANE Select); coding-DNA position 696, G replaced by C.
Protein change: p.Lys232Asn; replaces lysine 232 with asparagine.
Molecular consequence: missense variant. On other transcripts: non-coding transcript variant (1), intron variant (1).
Genome position (GRCh38, 1-based): chr11:18,403,797, G>C. VCF-style: chr11-18403797-G-C. GRCh37 (hg19) VCF-style: chr11-18425344-G-C.
Other names: c.522G>C, p.Lys174Asn (NM_001135239.2); c.783G>C, p.Lys261Asn (NM_001165414.2); c.696G>C, p.Lys232Asn (NM_001165416.2); c.687+9G>C (NM_001165415.2); short protein forms K232N, K174N, K261N.
Identifiers: ClinVar variation 471325 (VCV000471325.15), dbSNP rs141158742, ClinGen allele CA5911357.